The following is an entry in ClinVar:

NM_019042.5(PUS7):c.1097_1098del (p.Leu366fs)

Gene: PUS7 (pseudouridine synthase 7; minus strand). Cytogenetic location: 7q22.3.
Variant type: Microsatellite.
Coding change: c.1097_1098del on transcript NM_019042.5 (MANE Select); coding-DNA positions 1097 to 1098, 2 bases deleted (TC; older notation c.1097_1098delTC).
Protein change: p.Leu366fs; shifts the reading frame from leucine 366.
Molecular consequence: frameshift variant.
Genome position (GRCh38, 1-based): chr7:105,481,129-105,481,130, GA deleted on the plus strand (TC on the coding strand, the reverse complement: PUS7 is on the minus strand); deleting any 2 consecutive bases within chr7:105,481,129-105,481,135 gives the same sequence; the c. name uses the placement nearest the transcript's 3' end. VCF-style (leftmost placement, unchanged base first): chr7-105481128-TGA-T. GRCh37 (hg19) VCF-style: chr7-105121575-TGA-T.
Other names: c.1115_1116del, p.Leu372fs (NM_001318163.1); c.1097_1098del, p.Leu366fs (NM_001318164.2); short protein forms L366fs, L372fs.
Identifiers: ClinVar variation 1802167 (VCV001802167.9), dbSNP rs2484882987, ClinGen allele CA913111776.

ClinVar aggregate classification (germline): Pathogenic. Review status: criteria provided, multiple submitters, no conflicts (2 of 4 stars). 3 submissions from 3 submitters: Pathogenic (3). Last evaluated 2026-03-20.

Conditions:
Pervasive developmental disorder. Also called: Rare pervasive developmental disorder. Identifiers: Orphanet 168778, MedGen C0524528, MONDO:0000594.
Intellectual developmental disorder with abnormal behavior, microcephaly, and short stature. Identifiers: MedGen C5193039, MONDO:0032687, OMIM 618342.

Submissions (3):

Laboratoire de Génétique Moléculaire, CHU Bordeaux
Classification: Pathogenic for Intellectual developmental disorder with abnormal behavior, microcephaly, and short stature. Last evaluated: 2026-03-20. Review status: criteria provided, single submitter. Criteria: ACMG Guidelines, 2015. Collection method: clinical testing. Allele origin: biparental. Inheritance: Autosomal recessive inheritance. Affected: yes. Observed: 1 variant allele, 1 homozygote.

CeGaT Center for Human Genetics Tuebingen
Classification: Pathogenic. Last evaluated: 2025-09-01. Review status: criteria provided, single submitter. Criteria: CeGaT Center For Human Genetics Tuebingen Variant Classification Criteria Version 2. Collection method: clinical testing. Allele origin: germline. Affected: yes. Observed: 1 variant allele.
Comment: PUS7: PVS1, PM2

Institute of Medical Genetics and Applied Genomics, University Hospital Tübingen
Classification: Pathogenic for Intellectual developmental disorder with abnormal behavior, microcephaly, and short stature; Pervasive developmental disorder. Last evaluated: 2022-12-08. Review status: criteria provided, single submitter. Criteria: ACMG Guidelines, 2015. Collection method: clinical testing. Allele origin: germline. Inheritance: Autosomal recessive inheritance. Affected: yes.